The following is an entry in ClinVar:

ClinVar aggregate classification (germline): Uncertain significance. Review status: criteria provided, single submitter (1 of 4 stars). 3 submissions from 2 submitters: Uncertain significance (2). 1 of the submissions does not count toward it.

Conditions:
Transitory neonatal diabetes mellitus. Also called: Transient neonatal diabetes mellitus. Identifiers: MedGen C0342273, MONDO:0020525, HP:0008255.
Maturity-onset diabetes of the young (MODY). Also called: Maturity onset diabetes mellitus in young. Identifiers: Orphanet 552, MedGen C0342276, MONDO:0018911, HP:0004904.
Hyperinsulinemic hypoglycemia, familial, 1 (HHF1). Also called: Persistent hyperinsulinemic hypoglycemia of infancy; HYPERINSULINISM, FAMILIAL, WITH PANCREATIC NESIDIOBLASTOSIS; HYPOGLYCEMIA, HYPERINSULINEMIC, OF INFANCY; NESIDIOBLASTOSIS OF PANCREAS; Persistent Hyperinsulinemia Hypoglycemia of Infancy. Identifiers: Orphanet 276575, Orphanet 276598, MedGen C2931832, MONDO:0009734, OMIM 256450.

gnomAD v4.1: 1 of 1,613,986 alleles (0.000062%); no homozygotes.

Submissions (3):

Clinical Genomics, Uppaluri K&H Personalized Medicine Clinic
Classification: Uncertain significance for Maturity-onset diabetes of the young. Review status: criteria provided, single submitter. Criteria: K & H Uppaluri Personalized Medicine Clinic Variant Classification & Assertion Criteria_Updated V.1. Collection method: research. Allele origin: unknown. Inheritance: Somatic mutation.
Comment: Mutations in ABCC8 gene are associated with both neonatal diabetes mellitus as well as MODY. Patients with this mutation may have a better response to sulfonylureas. However, no sufficient evidence is found to ascertain the role of this particular variant (rs1554924540) in MODY yet.

Clinical Genomics, Uppaluri K&H Personalized Medicine Clinic
Classification: Uncertain significance for Transitory neonatal diabetes mellitus. Review status: criteria provided, single submitter. Criteria: K & H Uppaluri Personalized Medicine Clinic Variant Classification & Assertion Criteria_Updated V.1. Collection method: research. Allele origin: unknown. Inheritance: Somatic mutation.
Comment: Mutations in ABCC8 gene are associated with both neonatal diabetes mellitus as well as MODY. Patients with this mutation may have a better response to sulfonylureas. However, no sufficient evidence is found to ascertain the role of this particular variant (rs1554924540) in neonatal diabetes yet.

Counsyl
Classification: Likely pathogenic for Hyperinsulinemic hypoglycemia, familial, 1. Last evaluated: 2017-03-21. Review status: no assertion criteria provided. Collection method: clinical testing. Allele origin: unknown. Not counted in ClinVar's aggregate classification.

Literature cited by the submitters: PubMed 16885549 (cited by Clinical Genomics, Uppaluri K&H Personalized Medicine Clinic); PubMed 21989597 (cited by Clinical Genomics, Uppaluri K&H Personalized Medicine Clinic); PubMed 27538677 (cited by Clinical Genomics, Uppaluri K&H Personalized Medicine Clinic); PubMed 18981553 (cited by Clinical Genomics, Uppaluri K&H Personalized Medicine Clinic); PubMed 32027066 (cited by Clinical Genomics, Uppaluri K&H Personalized Medicine Clinic); PubMed 16613899 (cited by Clinical Genomics, Uppaluri K&H Personalized Medicine Clinic); PubMed 18025408 (cited by Clinical Genomics, Uppaluri K&H Personalized Medicine Clinic); PubMed 32792356 (cited by Clinical Genomics, Uppaluri K&H Personalized Medicine Clinic).

NM_000352.6(ABCC8):c.2116+1G>A

Gene: ABCC8 (ATP binding cassette subfamily C member 8; minus strand). Cytogenetic location: 11p15.1.
Variant type: single nucleotide variant.
Coding change: c.2116+1G>A on transcript NM_000352.6 (MANE Select); the canonical splice donor site of the intron after coding-DNA position 2116, G replaced by A.
Molecular consequence: splice donor variant.
Genome position (GRCh38, 1-based): chr11:17,427,866, C>T on the plus strand (G>A on the coding strand, the complement: ABCC8 is on the minus strand). VCF-style: chr11-17427866-C-T. GRCh37 (hg19) VCF-style: chr11-17449413-C-T.
Other names: c.2113+1G>A (NM_001351297.2, NM_001351296.2); c.2182+1G>A (NM_001351295.2); c.2116+1G>A (NM_001287174.3).
Identifiers: ClinVar variation 551206 (VCV000551206.3), dbSNP rs1554924540, ClinGen allele CA379814667.